The following is an entry in ClinVar:

NM_007373.4(SHOC2):c.1738G>A (p.Ala580Thr)

Gene: SHOC2 (SHOC2 leucine rich repeat scaffold protein; plus strand). Cytogenetic location: 10q25.2.
Variant type: single nucleotide variant.
Coding change: c.1738G>A on transcript NM_007373.4 (MANE Select); coding-DNA position 1738, G replaced by A.
Protein change: p.Ala580Thr; replaces alanine 580 with threonine.
Molecular consequence: missense variant. On other transcripts: non-coding transcript variant (1).
Genome position (GRCh38, 1-based): chr10:111,011,807, G>A. VCF-style: chr10-111011807-G-A. GRCh37 (hg19) VCF-style: chr10-112771565-G-A.
Other names: c.1738G>A (NM_007373.3); c.1600G>A, p.Ala534Thr (NM_001269039.3); c.1738G>A, p.Ala580Thr (NM_001324336.2, NM_001324337.2); short protein forms A534T, A580T.
Identifiers: ClinVar variation 1520847 (VCV001520847.26), dbSNP rs1234368339, ClinGen allele CA378526807.

ClinVar aggregate classification (germline): Uncertain significance. Review status: criteria provided, multiple submitters, no conflicts (2 of 4 stars). 5 submissions from 5 submitters: Uncertain significance (5). Last evaluated 2026-01-16.

Conditions:
Cardiovascular phenotype. Identifiers: MedGen CN230736.
RASopathy. Also called: rasopathies; Noonan spectrum disorder. Identifiers: Orphanet 536391, MedGen C5555857, MONDO:0021060.

Allele frequency attached by ClinVar (database versions not stated): gnomAD exomes 0.00001 and 0.00002; gnomAD 0.00002.

Submissions (5):

Women's Health and Genetics/Laboratory Corporation of America, LabCorp
Classification: Uncertain significance. Last evaluated: 2026-01-16. Review status: criteria provided, single submitter. Criteria: LabCorp Variant Classification Summary - May 2015. Collection method: clinical testing. Allele origin: germline.
Comment: Variant summary: SHOC2 c.1738G>A (p.Ala580Thr) results in a non-conservative amino acid change in the encoded protein sequence. Algorithms developed to predict the effect of missense changes on protein structure and function are either unavailable or do not agree on the potential impact of this missense change. The variant allele was found at a frequency of 8e-06 in 251272 control chromosomes. The available data on variant occurrences in the general population are insufficient to allow any conclusion about variant significance. To our knowledge, no occurrence of c.1738G>A in individuals affected with SHOC2-related conditions and no experimental evidence demonstrating its impact on protein function have been reported. ClinVar contains an entry for this variant (Variation ID: 1520847). Based on the evidence outlined above, the variant was classified as uncertain significance.

Labcorp Genetics (formerly Invitae), Labcorp
Classification: Uncertain significance for RASopathy. Last evaluated: 2025-03-09. Review status: criteria provided, single submitter. Criteria: Invitae Variant Classification Sherloc (09022015). Collection method: clinical testing. Allele origin: germline.
Comment: This sequence change replaces alanine, which is neutral and non-polar, with threonine, which is neutral and polar, at codon 580 of the SHOC2 protein (p.Ala580Thr). This variant is present in population databases (no rsID available, gnomAD 0.002%). This variant has not been reported in the literature in individuals affected with SHOC2-related conditions. ClinVar contains an entry for this variant (Variation ID: 1520847). Invitae Evidence Modeling of protein sequence and biophysical properties (such as structural, functional, and spatial information, amino acid conservation, physicochemical variation, residue mobility, and thermodynamic stability) indicates that this missense variant is not expected to disrupt SHOC2 protein function with a negative predictive value of 80%. In summary, the available evidence is currently insufficient to determine the role of this variant in disease. Therefore, it has been classified as a Variant of Uncertain Significance.

CeGaT Center for Human Genetics Tuebingen
Classification: Uncertain significance. Last evaluated: 2024-06-01. Review status: criteria provided, single submitter. Criteria: CeGaT Center For Human Genetics Tuebingen Variant Classification Criteria Version 2. Collection method: clinical testing. Allele origin: germline. Affected: yes. Observed: 1 variant allele.
Comment: SHOC2: PM2:Supporting

GeneDx
Classification: Uncertain significance. Last evaluated: 2024-05-07. Review status: criteria provided, single submitter. Criteria: GeneDx Variant Classification Process June 2021. Collection method: clinical testing. Allele origin: germline. Affected: yes.
Comment: Has not been previously published as pathogenic or benign to our knowledge; In silico analysis indicates that this missense variant does not alter protein structure/function

Ambry Genetics
Classification: Uncertain significance for Cardiovascular phenotype. Last evaluated: 2024-04-01. Review status: criteria provided, single submitter. Criteria: Ambry Variant Classification Scheme 2023. Collection method: clinical testing. Allele origin: germline.
Comment: The p.A580T variant (also known as c.1738G>A), located in coding exon 8 of the SHOC2 gene, results from a G to A substitution at nucleotide position 1738. The alanine at codon 580 is replaced by threonine, an amino acid with similar properties. This amino acid position is conserved. In addition, the in silico prediction for this alteration is inconclusive. Based on the available evidence, the clinical significance of this alteration remains unclear.